The following is an entry in ClinVar:

NM_001103.4(ACTN2):c.645C>T (p.Ala215=)

Gene: ACTN2 (actinin alpha 2; plus strand). Cytogenetic location: 1q43.
Variant type: single nucleotide variant.
Coding change: c.645C>T on transcript NM_001103.4 (MANE Select); coding-DNA position 645, C replaced by T.
Protein change: p.Ala215=; no amino-acid change (alanine 215 retained).
Molecular consequence: synonymous variant. On other transcripts: 5 prime UTR variant (1).
Genome position (GRCh38, 1-based): chr1:236,731,262, C>T. VCF-style: chr1-236731262-C-T. GRCh37 (hg19) VCF-style: chr1-236894562-C-T.
Other names: c.645C>T, p.Ala215= (NM_001278343.2); c.-177C>T (NM_001278344.2).
Identifiers: ClinVar variation 701655 (VCV000701655.19), dbSNP rs781683654, ClinGen allele CA1472872.

ClinVar aggregate classification (germline): Conflicting classifications of pathogenicity. Review status: criteria provided, conflicting classifications (1 of 4 stars). 5 submissions from 5 submitters: Uncertain significance (1); Likely benign (3). 1 of the submissions does not count toward it. Last evaluated 2026-02-03.

Conditions:
Primary familial hypertrophic cardiomyopathy (HCM). Identifiers: Orphanet 99739, MedGen C0949658, MeSH D024741, MONDO:0024573. Inheritance: Various modes of inheritance.
Dilated cardiomyopathy 1AA (CMD1AA). Also called: Cardiomyopathy, dilated, 1AA, with or without LVNC; CARDIOMYOPATHY, DILATED, 1AA, WITH OR WITHOUT LEFT VENTRICULAR NONCOMPACTION; CARDIOMYOPATHY, FAMILIAL HYPERTROPHIC, 23, WITH OR WITHOUT LEFT VENTRICULAR NONCOMPACTION. Identifiers: Orphanet 154, MedGen C2677338, MONDO:0012808, OMIM 612158.
Cardiovascular phenotype. Identifiers: MedGen CN230736.
ACTN2-related disorder. Also called: ACTN2 related condition; ACTN2-related disorders.

Allele frequency attached by ClinVar (database versions not stated): gnomAD exomes below 0.00001 and 0.00002; ExAC 0.00002; gnomAD 0.00003; TOPMed 0.00004.
gnomAD v4.1: 11 of 1,613,614 alleles (0.00068%); highest among the groups gnomAD compares: African/African-American, 0.013%; no homozygotes.

Submissions (5):

Labcorp Genetics (formerly Invitae), Labcorp
Classification: Likely benign for Primary familial hypertrophic cardiomyopathy; Dilated cardiomyopathy 1AA. Last evaluated: 2026-02-03. Review status: criteria provided, single submitter. Criteria: Invitae Variant Classification Sherloc (09022015). Collection method: clinical testing. Allele origin: germline.

Women's Health and Genetics/Laboratory Corporation of America, LabCorp
Classification: Likely benign. Last evaluated: 2021-04-15. Review status: criteria provided, single submitter. Criteria: LabCorp Variant Classification Summary - May 2015. Collection method: clinical testing. Allele origin: germline.

Ambry Genetics
Classification: Likely benign for Cardiovascular phenotype. Last evaluated: 2021-04-13. Review status: criteria provided, single submitter. Criteria: Ambry Variant Classification Scheme 2023. Collection method: clinical testing. Allele origin: germline.

Illumina Laboratory Services, Illumina
Classification: Uncertain significance for Dilated cardiomyopathy 1AA. Last evaluated: 2018-01-12. Review status: criteria provided, single submitter. Criteria: ICSL Variant Classification Criteria 13 December 2019. Collection method: clinical testing. Allele origin: germline.

PreventionGenetics, part of Exact Sciences
Classification: Likely benign for ACTN2-related condition. Last evaluated: 2019-08-14. Review status: no assertion criteria provided. Collection method: clinical testing. Allele origin: germline. Not counted in ClinVar's aggregate classification.
Comment: This variant is classified as likely benign based on ACMG/AMP sequence variant interpretation guidelines (Richards et al. 2015 PMID: 25741868, with internal and published modifications).